The following is an entry in ClinVar:

ClinVar aggregate classification (germline): Likely pathogenic (1 of 4 stars; one submission).

Submission:

Labcorp Genetics (formerly Invitae), Labcorp
Classification: Likely pathogenic. Last evaluated: 2020-06-13. Review status: criteria provided, single submitter. Criteria: Invitae Variant Classification Sherloc (09022015). Collection method: clinical testing. Allele origin: germline.
Comment: This variant results in the deletion of part of exon 38 (c.7121-2809_7230del) of the USH2A gene. It is expected to disrupt RNA splicing and likely results in an absent or disrupted protein product. This variant has not been reported in the literature in individuals with USH2A-related conditions. Loss-of-function variants in USH2A are known to be pathogenic (PMID: 10729113, 10909849, 20507924, 25649381). In summary, the currently available evidence indicates that the variant is pathogenic, but additional data are needed to prove that conclusively. Therefore, this variant has been classified as Likely Pathogenic.

Literature cited by the submitters: PubMed 10729113; PubMed 10909849; PubMed 20507924; PubMed 25649381.

NC_000001.10:g.(?_216108028)_(216110946_?)del

Gene: USH2A (usherin; minus strand). Cytogenetic location: 1q41.
Variant type: Deletion.
Identifiers: ClinVar variation 1068093 (VCV001068093.4).